The following is an entry in ClinVar:

NM_001039591.3(USP9X):c.3559-1G>C

Gene: USP9X (ubiquitin specific peptidase 9 X-linked; plus strand). Cytogenetic location: Xp11.4.
Variant type: single nucleotide variant.
Coding change: c.3559-1G>C on transcript NM_001039591.3 (MANE Select); the canonical splice acceptor site of the intron before coding-DNA position 3559, G replaced by C.
Molecular consequence: splice acceptor variant.
Genome position (GRCh38, 1-based): chrX:41,186,516, G>C. VCF-style: chrX-41186516-G-C. GRCh37 (hg19) VCF-style: chrX-41045769-G-C.
Other names: c.3574-1G>C (NM_001410748.1, NM_001410749.1); c.3559-1G>C (NM_001039590.3).
Identifiers: ClinVar variation 1301879 (VCV001301879.1), dbSNP rs2147163808, ClinGen allele CA412765827.
Genomic context (GRCh38, chrX:41,186,516, plus strand): 5'-TTGGTTAGGTCTGGTTATGTACAAATTATTTACTCCAAATAAAATGGTTAACTTTTTTCA[G>C]ATCAACCAAGTTACCCATGATCAAGCAGTGGTGCTACAAAGTGCCCTTCAGAGCATTCCT-3'

ClinVar aggregate classification (germline): Likely pathogenic (1 of 4 stars; one submission).

Conditions:
Intellectual developmental disorder, X-linked 99. Also called: Intellectual disability, X-linked 99. Identifiers: Orphanet 777, MedGen C3806746, MONDO:0010487, OMIM 300919.

Submission:

Rady Children's Institute for Genomic Medicine, Rady Children's Hospital San Diego
Classification: Likely pathogenic for MENTAL RETARDATION, X-LINKED 99. Last evaluated: 2020-10-12. Review status: criteria provided, single submitter. Criteria: ACMG Guidelines, 2015. Collection method: clinical testing. Allele origin: germline. Affected: yes.
Comment: This variant affects the canonical splice acceptor site of intron 23 and is therefore predicted to interfere with splicing and result in loss of normal protein function through either protein truncation or nonsense-mediated mRNA decay (NMD). This variant has not been previously reported or functionally characterized in the literature to our knowledge. Splicing variants in USP9X have been described in females with presentations that included congenital malformations and developmental delay (PMID: 24690944, 26833328). Splicing variants have not been described in males to our knowledge; however, loss-of-function variation has been described in males with neurodevelopmental abnormalities and other features including variants inherited from unaffected mothers (PMID: 31443933, 24607389, 28720891). The c.3559-1G>C variant is absent from the gnomAD population database and thus is presumed to be rare. Multiple splice prediction tools suggest this variant is likely to interfere with normal splicing. Based on the available evidence, the c.3559-1G>C variant is classified as Likely Pathogenic.